The following is an entry in ClinVar:

NM_000116.5(TAFAZZIN):c.524T>G (p.Val175Gly)

Gene: TAFAZZIN (tafazzin, phospholipid-lysophospholipid transacylase; plus strand). Cytogenetic location: Xq28.
Variant type: single nucleotide variant.
Coding change: c.524T>G on transcript NM_000116.5 (MANE Select); coding-DNA position 524, T replaced by G.
Protein change: p.Val175Gly; replaces valine 175 with glycine.
Molecular consequence: missense variant. On other transcripts: non-coding transcript variant (1).
Genome position (GRCh38, 1-based): chrX:154,419,606, T>G. VCF-style: chrX-154419606-T-G. GRCh37 (hg19) VCF-style: chrX-153647945-T-G.
Other names: c.578T>G, p.Val193Gly (NM_001303465.2); c.488T>G, p.Val163Gly (NM_001410698.1); c.434T>G, p.Val145Gly (NM_181311.4, NM_181313.4); c.524T>G, p.Val175Gly (NM_181312.4); short protein forms V175G, V193G, V163G, V145G.
Identifiers: ClinVar variation 2037849 (VCV002037849.4), dbSNP rs2522985355, ClinGen allele CA415183685.

ClinVar aggregate classification (germline): Uncertain significance (1 of 4 stars; one submission).

Conditions:
3-Methylglutaconic aciduria type 2 (BTHS). Also called: CARDIOSKELETAL MYOPATHY WITH NEUTROPENIA AND ABNORMAL MITOCHONDRIA; Barth syndrome. Identifiers: Orphanet 111, MedGen C0574083, MONDO:0010543, OMIM 302060.

Submission:

Labcorp Genetics (formerly Invitae), Labcorp
Classification: Uncertain significance for 3-Methylglutaconic aciduria type 2. Last evaluated: 2022-06-04. Review status: criteria provided, single submitter. Criteria: Invitae Variant Classification Sherloc (09022015). Collection method: clinical testing. Allele origin: germline.
Comment: In summary, the available evidence is currently insufficient to determine the role of this variant in disease. Therefore, it has been classified as a Variant of Uncertain Significance. Algorithms developed to predict the effect of sequence changes on RNA splicing suggest that this variant may disrupt the consensus splice site. This sequence change replaces valine, which is neutral and non-polar, with glycine, which is neutral and non-polar, at codon 175 of the TAZ protein (p.Val175Gly). This variant is not present in population databases (gnomAD no frequency). This variant has not been reported in the literature in individuals affected with TAZ-related conditions. Algorithms developed to predict the effect of missense changes on protein structure and function are either unavailable or do not agree on the potential impact of this missense change (SIFT: "Not Available"; PolyPhen-2: "Probably Damaging"; Align-GVGD: "Not Available").